The following is an entry in ClinVar:

ClinVar aggregate classification (germline): Benign/Likely benign. Review status: criteria provided, multiple submitters, no conflicts (2 of 4 stars). 8 submissions from 8 submitters: Benign (3); Likely benign (4). 1 of the submissions does not count toward it. Last evaluated 2026-01-18.

Conditions:
TSC2-related disorder. Also called: TSC2-related condition; TSC2-Related Disorders.
Hereditary cancer-predisposing syndrome. Also called: Tumor predisposition; Neoplastic Syndromes, Hereditary; Hereditary Cancer Syndrome; Hereditary neoplastic syndrome. Identifiers: Orphanet 140162, MedGen C0027672, MeSH D009386, MONDO:0015356.
Tuberous sclerosis syndrome (TSC). Also called: Tuberous Sclerosis Complex; Tuberous sclerosis. Identifiers: Orphanet 805, MedGen C0041341, MONDO:0001734.
Tuberous sclerosis 2 (TSC2). Identifiers: Orphanet 805, MedGen C1860707, MONDO:0013199, OMIM 613254.

Allele frequency attached by ClinVar (database versions not stated): gnomAD exomes 0.00002; TOPMed 0.00003.
gnomAD v4.1: 35 of 1,613,852 alleles (0.0022%); highest among the groups gnomAD compares: African/African-American, 0.004%; no homozygotes.

Submissions (8):

Labcorp Genetics (formerly Invitae), Labcorp
Classification: Benign for Tuberous sclerosis 2. Last evaluated: 2026-01-18. Review status: criteria provided, single submitter. Criteria: Invitae Variant Classification Sherloc (09022015). Collection method: clinical testing. Allele origin: germline.

Myriad Genetics, Inc.
Classification: Benign for Tuberous sclerosis 2. Last evaluated: 2025-05-14. Review status: criteria provided, single submitter. Criteria: Myriad Autosomal Dominant, Autosomal Recessive and X-Linked Classification Criteria (2023). Collection method: clinical testing. Allele origin: unknown.
Comment: This variant is considered benign. This variant is a silent/synonymous amino acid change and it is not expected to impact splicing.

All of Us Research Program, National Institutes of Health
Classification: Likely benign for Tuberous sclerosis syndrome. Last evaluated: 2024-06-17. Review status: criteria provided, single submitter. Criteria: ACMG Guidelines, 2015. Collection method: clinical testing. Allele origin: germline. Inheritance: Autosomal dominant inheritance. Observed: 6 variant alleles, 6 heterozygotes.
Comment: This study involves interpretation of variants in research participants for the purpose of population health screening. Participant phenotype was not available at the time of variant classification. Additional details can be found in publication PMID: 35346344, PMCID: PMC8962531

Color Diagnostics, LLC DBA Color Health
Classification: Likely benign for Tuberous sclerosis syndrome. Last evaluated: 2022-09-20. Review status: criteria provided, single submitter. Criteria: ACMG Guidelines, 2015. Collection method: clinical testing. Allele origin: germline.

Genome-Nilou Lab
Classification: Benign for Tuberous sclerosis 2. Last evaluated: 2021-11-07. Review status: criteria provided, single submitter. Criteria: ACMG Guidelines, 2015. Collection method: clinical testing. Allele origin: germline. Affected: no.

Sema4
Classification: Likely benign for Hereditary cancer-predisposing syndrome. Last evaluated: 2021-02-21. Review status: criteria provided, single submitter. Criteria: Sema4 Curation Guidelines. Collection method: curation. Allele origin: germline.

Ambry Genetics
Classification: Likely benign for Hereditary cancer-predisposing syndrome. Last evaluated: 2016-10-20. Review status: criteria provided, single submitter. Criteria: Ambry Variant Classification Scheme 2023. Collection method: clinical testing. Allele origin: germline.

PreventionGenetics, part of Exact Sciences
Classification: Likely benign for TSC2-related condition. Last evaluated: 2019-03-21. Review status: no assertion criteria provided. Collection method: clinical testing. Allele origin: germline. Not counted in ClinVar's aggregate classification.
Comment: This variant is classified as likely benign based on ACMG/AMP sequence variant interpretation guidelines (Richards et al. 2015 PMID: 25741868, with internal and published modifications).

NM_000548.5(TSC2):c.1491C>T (p.Pro497=)

Gene: TSC2 (TSC complex subunit 2; plus strand). Cytogenetic location: 16p13.3.
Variant type: single nucleotide variant.
Coding change: c.1491C>T on transcript NM_000548.5 (MANE Select); coding-DNA position 1491, C replaced by T.
Protein change: p.Pro497=; no amino-acid change (proline 497 retained).
Molecular consequence: synonymous variant.
Genome position (GRCh38, 1-based): chr16:2,064,319, C>T. VCF-style: chr16-2064319-C-T. GRCh37 (hg19) VCF-style: chr16-2114320-C-T.
Other names: c.1491C>T, p.Pro497= (NM_001077183.3, NM_001114382.3, NM_001363528.2 and 3 more transcripts); c.1380C>T, p.Pro460= (NM_001318827.2); c.1344C>T, p.Pro448= (NM_001318829.2); c.891C>T, p.Pro297= (NM_001318831.2); c.1524C>T, p.Pro508= (NM_001318832.2); c.1491C>T (NM_000548.4).
Identifiers: ClinVar variation 413658 (VCV000413658.24), dbSNP rs781367910, ClinGen allele CA030857.